The following is an entry in ClinVar:

ClinVar aggregate classification (germline): Uncertain significance (1 of 4 stars; one submission).

Conditions:
Hereditary cancer-predisposing syndrome. Also called: Tumor predisposition; Hereditary Cancer Syndrome; Neoplastic Syndromes, Hereditary; Hereditary neoplastic syndrome. Identifiers: Orphanet 140162, MedGen C0027672, MeSH D009386, MONDO:0015356.

Submission:

Ambry Genetics
Classification: Uncertain significance for Hereditary cancer-predisposing syndrome. Last evaluated: 2019-07-17. Review status: criteria provided, single submitter. Criteria: Ambry Variant Classification Scheme 2023. Collection method: clinical testing. Allele origin: germline.
Comment: The p.F292L variant (also known as c.874T>C), located in coding exon 7 of the CHEK2 gene, results from a T to C substitution at nucleotide position 874. The phenylalanine at codon 292 is replaced by leucine, an amino acid with highly similar properties. This amino acid position is highly conserved in available vertebrate species. In addition, the in silico prediction for this alteration is inconclusive. Since supporting evidence is limited at this time, the clinical significance of this alteration remains unclear.

NM_007194.4(CHEK2):c.874T>C (p.Phe292Leu)

Gene: CHEK2 (checkpoint kinase 2; minus strand). Cytogenetic location: 22q12.1.
Variant type: single nucleotide variant.
Coding change: c.874T>C on transcript NM_007194.4 (MANE Select); coding-DNA position 874, T replaced by C.
Protein change: p.Phe292Leu; replaces phenylalanine 292 with leucine.
Molecular consequence: missense variant.
Genome position (GRCh38, 1-based): chr22:28,703,539, A>G on the plus strand (T>C on the coding strand, the complement: CHEK2 is on the minus strand). VCF-style: chr22-28703539-A-G. GRCh37 (hg19) VCF-style: chr22-29099527-A-G.
Other names: c.1003T>C, p.Phe335Leu (NM_001005735.3); c.211T>C, p.Phe71Leu (NM_001257387.3); c.673T>C, p.Phe225Leu (NM_001349956.3); c.874T>C, p.Phe292Leu (NM_145862.3); short protein forms F71L, F225L, F335L, F292L.
Identifiers: ClinVar variation 822706 (VCV000822706.4), dbSNP rs1601752721, ClinGen allele CA411101175.